The following is an entry in ClinVar:

NM_002661.5(PLCG2):c.525T>G (p.Phe175Leu)

Gene: PLCG2 (phospholipase C gamma 2; plus strand). Cytogenetic location: 16q23.3.
Variant type: single nucleotide variant.
Coding change: c.525T>G on transcript NM_002661.5 (MANE Select); coding-DNA position 525, T replaced by G.
Protein change: p.Phe175Leu; replaces phenylalanine 175 with leucine.
Molecular consequence: missense variant.
Genome position (GRCh38, 1-based): chr16:81,869,259, T>G. VCF-style: chr16-81869259-T-G. GRCh37 (hg19) VCF-style: chr16-81902864-T-G.
Other names: c.525T>G, p.Phe175Leu (NM_001425749.1, NM_001425750.1, NM_001425751.1); short protein forms F175L.
Identifiers: ClinVar variation 3621629 (VCV003621629.2).
Genomic context (GRCh38, chr16:81,869,259, plus strand): 5'-CTCCCTCTTTTGCAGCATCAGTCTCCGAGAGTTGAAGACCATCTTGCCCCTGATCAACTT[T>G]AAAGTGAGCAGTGCCAAGTTCCTTAAAGATAAGTTTGTGGTAAGTTTCATGGCTCAGCCT-3'
Protein context (NP_002652.2, residues 165-185): ELKTILPLIN[Phe175Leu]KVSSAKFLKD

ClinVar aggregate classification (germline): Uncertain significance (1 of 4 stars; one submission).

Conditions:
Familial cold autoinflammatory syndrome 3 (FCAS3). Also called: FAMILIAL ATYPICAL COLD URTICARIA; ANTIBODY DEFICIENCY AND IMMUNE DYSREGULATION, PLCG2-ASSOCIATED. Identifiers: Orphanet 300359, MedGen C3280914, MONDO:0013766, OMIM 614468.

Submission:

Labcorp Genetics (formerly Invitae), Labcorp
Classification: Uncertain significance for Familial cold autoinflammatory syndrome 3. Last evaluated: 2024-06-14. Review status: criteria provided, single submitter. Criteria: Invitae Variant Classification Sherloc (09022015). Collection method: clinical testing. Allele origin: germline.
Comment: This sequence change replaces phenylalanine, which is neutral and non-polar, with leucine, which is neutral and non-polar, at codon 175 of the PLCG2 protein (p.Phe175Leu). This variant is not present in population databases (gnomAD no frequency). This variant has not been reported in the literature in individuals affected with PLCG2-related conditions. An algorithm developed to predict the effect of missense changes on protein structure and function (PolyPhen-2) suggests that this variant is likely to be tolerated. In summary, the available evidence is currently insufficient to determine the role of this variant in disease. Therefore, it has been classified as a Variant of Uncertain Significance.